The following is an entry in ClinVar:

ClinVar aggregate classification (germline): Uncertain significance (1 of 4 stars; one submission).

gnomAD v4.1: 4 of 1,578,950 alleles (0.00025%); highest among the groups gnomAD compares: Non-Finnish European, 0.00034%; no homozygotes.

Submission:

Labcorp Genetics (formerly Invitae), Labcorp
Classification: Uncertain significance. Last evaluated: 2024-08-01. Review status: criteria provided, single submitter. Criteria: Invitae Variant Classification Sherloc (09022015). Collection method: clinical testing. Allele origin: germline.
Comment: This sequence change falls in intron 30 of the FREM1 gene. It does not directly change the encoded amino acid sequence of the FREM1 protein. It affects a nucleotide within the consensus splice site. This variant is not present in population databases (gnomAD no frequency). This variant has not been reported in the literature in individuals affected with FREM1-related conditions. Variants that disrupt the consensus splice site are a relatively common cause of aberrant splicing (PMID: 17576681, 9536098). Algorithms developed to predict the effect of sequence changes on RNA splicing suggest that this variant is not likely to affect RNA splicing. In summary, the available evidence is currently insufficient to determine the role of this variant in disease. Therefore, it has been classified as a Variant of Uncertain Significance.

Literature cited by the submitters: PubMed 17576681; PubMed 9536098.

NM_001379081.2(FREM1):c.5407+6T>A

Gene: FREM1 (FRAS1 related extracellular matrix 1; minus strand). Cytogenetic location: 9p22.3.
Variant type: single nucleotide variant.
Coding change: c.5407+6T>A on transcript NM_001379081.2 (MANE Select); 6 bases into the intron after coding-DNA position 5407, T replaced by A.
Molecular consequence: intron variant.
Genome position (GRCh38, 1-based): chr9:14,756,368, A>T on the plus strand (T>A on the coding strand, the complement: FREM1 is on the minus strand). VCF-style: chr9-14756368-A-T. GRCh37 (hg19) VCF-style: chr9-14756366-A-T.
Other names: c.5407+6T>A (NM_144966.7); c.1015+6T>A (NM_001370061.2, NM_001370058.2, NM_001177704.3).
Identifiers: ClinVar variation 3661132 (VCV003661132.2).